The following is an entry in ClinVar:

ClinVar aggregate classification (germline): Likely benign. Review status: criteria provided, multiple submitters, no conflicts (2 of 4 stars). 2 submissions from 2 submitters: Likely benign (2). Last evaluated 2026-01-15.

Conditions:
Breast-ovarian cancer, familial, susceptibility to, 3. Also called: RAD51C-Related Breast/Ovarian Cancer. Identifiers: Orphanet 145, MedGen C3150659, MONDO:0013253, OMIM 613399.
Fanconi anemia complementation group O. Also called: RAD51C-Related Fanconi Anemia. Identifiers: Orphanet 84, MedGen C3150653, MONDO:0013248, OMIM 613390.

Allele frequency attached by ClinVar (database versions not stated): gnomAD exomes below 0.00001; TOPMed 0.00001.
gnomAD v4.1: 1 of 1,613,806 alleles (0.000062%); highest among the groups gnomAD compares: Non-Finnish European, 0.000085%; no homozygotes.

Submissions (2):

Labcorp Genetics (formerly Invitae), Labcorp
Classification: Likely benign for Fanconi anemia complementation group O. Last evaluated: 2026-01-15. Review status: criteria provided, single submitter. Criteria: Invitae Variant Classification Sherloc (09022015). Collection method: clinical testing. Allele origin: germline.

Myriad Genetics, Inc.
Classification: Likely benign for Breast-ovarian cancer, familial, susceptibility to, 3. Last evaluated: 2025-02-18. Review status: criteria provided, single submitter. Criteria: Myriad Autosomal Dominant, Autosomal Recessive and X-Linked Classification Criteria (2023). Collection method: clinical testing. Allele origin: unknown.
Comment: This variant is considered likely benign. This variant is intronic and is not expected to impact mRNA splicing.

NM_058216.3(RAD51C):c.571+7T>C

Gene: RAD51C (RAD51 paralog C; plus strand). Cytogenetic location: 17q22.
Variant type: single nucleotide variant.
Coding change: c.571+7T>C on transcript NM_058216.3 (MANE Select); 7 bases into the intron after coding-DNA position 571, T replaced by C.
Molecular consequence: intron variant.
Genome position (GRCh38, 1-based): chr17:58,696,866, T>C. VCF-style: chr17-58696866-T-C. GRCh37 (hg19) VCF-style: chr17-56774227-T-C.
Identifiers: ClinVar variation 794827 (VCV000794827.11), dbSNP rs1024076621, ClinGen allele CA292050586.